The following is an entry in ClinVar:

ClinVar aggregate classification (germline): Uncertain significance (1 of 4 stars; one submission).

Submission:

Ambry Genetics
Classification: Uncertain significance. Last evaluated: 2025-11-14. Review status: criteria provided, single submitter. Criteria: Ambry Variant Classification Scheme 2023. Collection method: clinical testing. Allele origin: germline.
Comment: The c.965A>G (p.E322G) alteration is located in exon 6 (coding exon 6) of the UPF1 gene. This alteration results from an A to G substitution at nucleotide position 965, causing the glutamic acid (E) at amino acid position 322 to be replaced by a glycine (G). This variant was not reported in population-based cohorts in the Genome Aggregation Database (gnomAD). This amino acid position is highly conserved in available vertebrate species. This missense alteration is located in a region that has a low rate of benign missense variation (Lek, 2016; Firth, 2009). This alteration is predicted to be deleterious by in silico analysis. Based on insufficient or conflicting evidence, the clinical significance of this alteration remains unclear.

NM_002911.4(UPF1):c.965A>G (p.Glu322Gly)

Gene: UPF1 (UPF1 RNA helicase and ATPase; plus strand). Cytogenetic location: 19p13.11.
Variant type: single nucleotide variant.
Coding change: c.965A>G on transcript NM_002911.4 (MANE Select); coding-DNA position 965, A replaced by G.
Protein change: p.Glu322Gly; replaces glutamic acid 322 with glycine.
Molecular consequence: missense variant.
Genome position (GRCh38, 1-based): chr19:18,852,289, A>G. VCF-style: chr19-18852289-A-G. GRCh37 (hg19) VCF-style: chr19-18963098-A-G.
Other names: c.965A>G, p.Glu322Gly (NM_001297549.2); short protein forms E322G.
Identifiers: ClinVar variation 4602280 (VCV004602280.1).